The following is an entry in ClinVar:

NM_139076.3(ABRAXAS1):c.490G>T (p.Val164Leu)

Gene: ABRAXAS1 (abraxas 1, BRCA1 A complex subunit; minus strand). Cytogenetic location: 4q21.23.
Variant type: single nucleotide variant.
Coding change: c.490G>T on transcript NM_139076.3 (MANE Select); coding-DNA position 490, G replaced by T.
Protein change: p.Val164Leu; replaces valine 164 with leucine.
Molecular consequence: missense variant.
Genome position (GRCh38, 1-based): chr4:83,469,138, C>A on the plus strand (G>T on the coding strand, the complement: ABRAXAS1 is on the minus strand). VCF-style: chr4-83469138-C-A. GRCh37 (hg19) VCF-style: chr4-84390291-C-A.
Other names: c.163G>T, p.Val55Leu (NM_001345962.2); c.490G>T (NM_139076.2); short protein forms V164L, V55L.
Identifiers: ClinVar variation 1391378 (VCV001391378.11), dbSNP rs781519076, ClinGen allele CA2990534.

ClinVar aggregate classification (germline): Uncertain significance. Review status: criteria provided, multiple submitters, no conflicts (2 of 4 stars). 3 submissions from 3 submitters: Uncertain significance (3). Last evaluated 2025-10-26.

Allele frequency attached by ClinVar (database versions not stated): ExAC 0.00001; gnomAD exomes 0.00001; TOPMed 0.00001.
gnomAD v4.1: 2 of 1,613,434 alleles (0.00012%); highest among the groups gnomAD compares: Admixed American, 0.0017%; no homozygotes.

Submissions (3):

Ambry Genetics
Classification: Uncertain significance. Last evaluated: 2025-10-26. Review status: criteria provided, single submitter. Criteria: Ambry Variant Classification Scheme 2023. Collection method: clinical testing. Allele origin: germline.
Comment: The p.V164L variant (also known as c.490G>T), located in coding exon 6 of the FAM175A gene, results from a G to T substitution at nucleotide position 490. The valine at codon 164 is replaced by leucine, an amino acid with highly similar properties. This amino acid position is conserved. In addition, this alteration is predicted to be tolerated by in silico analysis. Since supporting evidence is limited at this time, the clinical significance of this alteration remains unclear.

Women's Health and Genetics/Laboratory Corporation of America, LabCorp
Classification: Uncertain significance. Last evaluated: 2024-09-30. Review status: criteria provided, single submitter. Criteria: LabCorp Variant Classification Summary - May 2015. Collection method: clinical testing. Allele origin: germline.

Labcorp Genetics (formerly Invitae), Labcorp
Classification: Uncertain significance. Last evaluated: 2023-10-19. Review status: criteria provided, single submitter. Criteria: Invitae Variant Classification Sherloc (09022015). Collection method: clinical testing. Allele origin: germline.
Comment: This sequence change replaces valine, which is neutral and non-polar, with leucine, which is neutral and non-polar, at codon 164 of the ABRAXAS1 protein (p.Val164Leu). This variant is present in population databases (rs781519076, gnomAD 0.006%). This variant has not been reported in the literature in individuals affected with ABRAXAS1-related conditions. ClinVar contains an entry for this variant (Variation ID: 1391378). Advanced modeling of protein sequence and biophysical properties (such as structural, functional, and spatial information, amino acid conservation, physicochemical variation, residue mobility, and thermodynamic stability) performed at Invitae indicates that this missense variant is not expected to disrupt ABRAXAS1 protein function. In summary, the available evidence is currently insufficient to determine the role of this variant in disease. Therefore, it has been classified as a Variant of Uncertain Significance.